The following is an entry in ClinVar:

ClinVar aggregate classification (germline): Pathogenic (1 of 4 stars; one submission).

Conditions:
Brown-Vialetto-van Laere syndrome 1. Also called: BROWN-VIALETTO-VAN LAERE SYNDROME 1, MILD; BULBAR PALSY, PROGRESSIVE, WITH SENSORINEURAL DEAFNESS; PONTOBULBAR PALSY WITH DEAFNESS. Identifiers: Orphanet 572550, Orphanet 97229, MedGen C0796274, MONDO:0024537, OMIM 211530.

Submission:

Labcorp Genetics (formerly Invitae), Labcorp
Classification: Pathogenic for Brown-Vialetto-van Laere syndrome 1. Last evaluated: 2023-05-22. Review status: criteria provided, single submitter. Criteria: Invitae Variant Classification Sherloc (09022015). Collection method: clinical testing. Allele origin: germline.
Comment: This variant has not been reported in the literature in individuals affected with SLC52A3-related conditions. For these reasons, this variant has been classified as Pathogenic. This variant is not present in population databases (gnomAD no frequency). This sequence change creates a premature translational stop signal (p.Gln285*) in the SLC52A3 gene. It is expected to result in an absent or disrupted protein product. Loss-of-function variants in SLC52A3 are known to be pathogenic (PMID: 20206331, 22824638, 25462087).

Literature cited by the submitters: PubMed 20206331; PubMed 22824638; PubMed 25462087.

NM_033409.4(SLC52A3):c.853C>T (p.Gln285Ter)

Gene: SLC52A3 (solute carrier family 52 member 3; minus strand). Cytogenetic location: 20p13.
Variant type: single nucleotide variant.
Coding change: c.853C>T on transcript NM_033409.4 (MANE Select); coding-DNA position 853, C replaced by T.
Protein change: p.Gln285Ter; replaces glutamine 285 with a stop codon.
Molecular consequence: nonsense.
Genome position (GRCh38, 1-based): chr20:763,718, G>A on the plus strand (C>T on the coding strand, the complement: SLC52A3 is on the minus strand). VCF-style: chr20-763718-G-A. GRCh37 (hg19) VCF-style: chr20-744362-G-A.
Other names: c.853C>T, p.Gln285Ter (NM_001370085.1, NM_001370086.1); short protein forms Q285*.
Identifiers: ClinVar variation 2920552 (VCV002920552.3), dbSNP rs767916187, ClinGen allele CA407962962.